The following is an entry in ClinVar:

NM_001374736.1(DST):c.15529del (p.Thr5177fs)

Gene: DST (dystonin; minus strand). Cytogenetic location: 6p12.1.
Variant type: Deletion.
Coding change: c.15529del on transcript NM_001374736.1 (MANE Select); coding-DNA position 15529, one base deleted (A; older notation c.15529delA).
Protein change: p.Thr5177fs; shifts the reading frame from threonine 5177.
Molecular consequence: frameshift variant.
Genome position (GRCh38, 1-based): chr6:56,553,263, T deleted on the plus strand (A on the coding strand, the reverse complement: DST is on the minus strand). VCF-style (leftmost placement, unchanged base first): chr6-56553262-GT-G. GRCh37 (hg19) VCF-style: chr6-56418060-GT-G.
Other names: c.9172del, p.Thr3058fs (NM_001144769.5); c.8758del, p.Thr2920fs (NM_001144770.2); c.15529del, p.Thr5177fs (NM_001374722.1); c.14896del, p.Thr4966fs (NM_001374729.1); c.8638del, p.Thr2880fs (NM_001374730.1, NM_001386100.1, NM_183380.4); c.15556del, p.Thr5186fs (NM_001374734.1); c.7660del, p.Thr2554fs (NM_015548.5); short protein forms T2554fs, T4966fs, T3058fs, T5186fs, T2880fs, T2920fs, T5177fs.
Identifiers: ClinVar variation 2542002 (VCV002542002.2), dbSNP rs2535338422, ClinGen allele CA2580617266.

ClinVar aggregate classification (germline): Pathogenic (1 of 4 stars; one submission).

Conditions:
Inborn genetic diseases. Identifiers: MedGen C0950123, MeSH D030342.

Submission:

Ambry Genetics
Classification: Pathogenic for Inborn genetic diseases. Last evaluated: 2023-05-10. Review status: criteria provided, single submitter. Criteria: Ambry Variant Classification Scheme 2023. Collection method: clinical testing. Allele origin: germline.
Comment: The c.9172delA (p.T3058Lfs*6) alteration, located in exon 55 (coding exon 55) of the DST gene, consists of a deletion of one nucleotide at position 9172, causing a translational frameshift with a predicted alternate stop codon after 6 amino acids. This alteration is expected to result in loss of function by premature protein truncation or nonsense-mediated mRNA decay. Based on the available evidence, the DST c.9172delA (p.T3058Lfs*6) alteration is classified as pathogenic for DST-related sensory and autonomic neuropathy; however, this variant is unlikely to be causative of DST-related epidermolysis bullosa simplex. This variant was not reported in population-based cohorts in the Genome Aggregation Database (gnomAD). Based on the available evidence, this alteration is classified as pathogenic.